The following is an entry in ClinVar:

ClinVar aggregate classification (germline): Uncertain significance. Review status: criteria provided, multiple submitters, no conflicts (2 of 4 stars). 2 submissions from 2 submitters: Uncertain significance (2). Last evaluated 2024-02-21.

Conditions:
Inborn genetic diseases. Identifiers: MedGen C0950123, MeSH D030342.

Allele frequency attached by ClinVar (database versions not stated): ExAC 0.00001; gnomAD 0.00001; gnomAD exomes 0.00001; TOPMed 0.00001.
gnomAD v4.1: 16 of 1,613,842 alleles (0.00099%); highest among the groups gnomAD compares: Non-Finnish European, 0.00059%; no homozygotes.

Submissions (2):

Labcorp Genetics (formerly Invitae), Labcorp
Classification: Uncertain significance. Last evaluated: 2024-02-21. Review status: criteria provided, single submitter. Criteria: Invitae Variant Classification Sherloc (09022015). Collection method: clinical testing. Allele origin: germline.
Comment: This sequence change replaces glycine, which is neutral and non-polar, with serine, which is neutral and polar, at codon 170 of the PKLR protein (p.Gly170Ser). This variant is present in population databases (rs779196057, gnomAD 0.0009%). This variant has not been reported in the literature in individuals affected with PKLR-related conditions. ClinVar contains an entry for this variant (Variation ID: 2246689). An algorithm developed to predict the effect of missense changes on protein structure and function (PolyPhen-2) suggests that this variant is likely to be tolerated. In summary, the available evidence is currently insufficient to determine the role of this variant in disease. Therefore, it has been classified as a Variant of Uncertain Significance.

Ambry Genetics
Classification: Uncertain significance for Inborn genetic diseases. Last evaluated: 2021-08-23. Review status: criteria provided, single submitter. Criteria: Ambry Variant Classification Scheme 2023. Collection method: clinical testing. Allele origin: germline.

NM_000298.6(PKLR):c.508G>A (p.Gly170Ser)

Gene: PKLR (pyruvate kinase L/R; minus strand). Cytogenetic location: 1q22.
Variant type: single nucleotide variant.
Coding change: c.508G>A on transcript NM_000298.6 (MANE Select); coding-DNA position 508, G replaced by A.
Protein change: p.Gly170Ser; replaces glycine 170 with serine.
Molecular consequence: missense variant.
Genome position (GRCh38, 1-based): chr1:155,295,302, C>T on the plus strand (G>A on the coding strand, the complement: PKLR is on the minus strand). VCF-style: chr1-155295302-C-T. GRCh37 (hg19) VCF-style: chr1-155265093-C-T.
Other names: c.415G>A, p.Gly139Ser (NM_181871.4); short protein forms G139S, G170S.
Identifiers: ClinVar variation 2246689 (VCV002246689.5), dbSNP rs779196057, ClinGen allele CA1144290.
Genomic context (GRCh38, chr1:155,295,302, plus strand): 5'-CGGGGTCCACAGTCACCAGCACCTGGGAGCCCTTCACCAGCTCCACTTCCGACTCTGGAC[C>T]CTAAGGAGGGAGCCAGAGGAGATGTGAGTTCTGAGCCCCGGAGTCCGGGACCCGCCCCTG-3'
Protein context (NP_000289.1, residues 160-180): PEIRTGILQG[Gly170Ser]PESEVELVKG